The following is an entry in ClinVar:

NM_001127511.3(APC):c.166-28631G>T

Gene: APC (APC regulator of Wnt signaling pathway; plus strand). Cytogenetic location: 5q22.2.
Variant type: single nucleotide variant.
Coding change: c.166-28631G>T on transcript NM_001127511.3; 28631 bases into the intron before coding-DNA position 166, G replaced by T.
Molecular consequence: intron variant.
Genome position (GRCh38, 1-based): chr5:112,737,695, G>T. VCF-style: chr5-112737695-G-T. GRCh37 (hg19) VCF-style: chr5-112073392-G-T.
Other names: c.-1053-17178G>T (NM_001407470.1, NM_001407472.1); c.-18-17178G>T (NM_001407447.1, NM_001354895.2, NM_001407456.1 and 7 more transcripts); c.166-28631G>T (NM_001407446.1, NM_001354897.2, NM_001354902.2); c.-42-28631G>T (NM_001407453.1).
Identifiers: ClinVar variation 3052655 (VCV003052655.2), dbSNP rs954109176, ClinGen allele CA1573458564.

ClinVar aggregate classification (germline): Likely benign (0 of 4 stars; one submission).

Conditions:
APC-related disorder. Also called: APC-related condition.

Submission:

PreventionGenetics, part of Exact Sciences
Classification: Likely benign for APC-related condition. Last evaluated: 2019-09-11. Review status: no assertion criteria provided. Collection method: clinical testing. Allele origin: germline.
Comment: This variant is classified as likely benign based on ACMG/AMP sequence variant interpretation guidelines (Richards et al. 2015 PMID: 25741868, with internal and published modifications).